The following is an entry in ClinVar:

ClinVar aggregate classification (germline): Uncertain significance (1 of 4 stars; one submission).

Submission:

Ambry Genetics
Classification: Uncertain significance. Last evaluated: 2024-04-26. Review status: criteria provided, single submitter. Criteria: Ambry Variant Classification Scheme 2023. Collection method: clinical testing. Allele origin: germline.
Comment: The p.A262T variant (also known as c.784G>A), located in coding exon 1 of the EGLN2 gene, results from a G to A substitution at nucleotide position 784. The alanine at codon 262 is replaced by threonine, an amino acid with similar properties. This amino acid position is conserved. In addition, this alteration is predicted to be tolerated by in silico analysis. Based on the available evidence, the clinical significance of this variant remains unclear.

NM_080732.4(EGLN2):c.784G>A (p.Ala262Thr)

Genes: EGLN2 (egl-9 family hypoxia inducible factor 2; plus strand), RAB4B-EGLN2 (RAB4B-EGLN2 readthrough (NMD candidate); plus strand). Cytogenetic location: 19q13.2.
Variant type: single nucleotide variant.
Coding change: c.784G>A on transcript NM_080732.4 (MANE Select); coding-DNA position 784, G replaced by A.
Protein change: p.Ala262Thr; replaces alanine 262 with threonine.
Molecular consequence: missense variant. On other transcripts: non-coding transcript variant (1).
Genome position (GRCh38, 1-based): chr19:40,801,356, G>A. VCF-style: chr19-40801356-G-A. GRCh37 (hg19) VCF-style: chr19-41307261-G-A.
Other names: c.784G>A, p.Ala262Thr (NM_053046.4); short protein forms A262T.
Identifiers: ClinVar variation 3274812 (VCV003274812.1).